The following is an entry in ClinVar:

NM_002432.3(MNDA):c.631C>T (p.Pro211Ser)

Gene: MNDA (myeloid cell nuclear differentiation antigen; plus strand). Cytogenetic location: 1q23.1.
Variant type: single nucleotide variant.
Coding change: c.631C>T on transcript NM_002432.3 (MANE Select); coding-DNA position 631, C replaced by T.
Protein change: p.Pro211Ser; replaces proline 211 with serine.
Molecular consequence: missense variant.
Genome position (GRCh38, 1-based): chr1:158,845,647, C>T. VCF-style: chr1-158845647-C-T. GRCh37 (hg19) VCF-style: chr1-158815437-C-T.
Other names: short protein forms P211S.
Identifiers: ClinVar variation 1752829 (VCV001752829.2), dbSNP rs2102051781, ClinGen allele CA343040850.

ClinVar aggregate classification (germline): Uncertain significance (1 of 4 stars; one submission).

Submission:

Ambry Genetics
Classification: Uncertain significance. Last evaluated: 2022-09-05. Review status: criteria provided, single submitter. Criteria: Ambry Variant Classification Scheme 2023. Collection method: clinical testing. Allele origin: germline.
Comment: The p.P211S variant (also known as c.631C>T), located in coding exon 4 of the MNDA gene, results from a C to T substitution at nucleotide position 631. The proline at codon 211 is replaced by serine, an amino acid with similar properties. This amino acid position is conserved. In addition, this alteration is predicted to be tolerated by in silico analysis. Since supporting evidence is limited at this time, the clinical significance of this alteration remains unclear.